The following is an entry in ClinVar:

NM_007129.5(ZIC2):c.88_89insGGGGGGG (p.Ala30fs)

Gene: ZIC2 (Zic family zinc finger 2; plus strand). Cytogenetic location: 13q32.3.
Variant type: Insertion.
Coding change: c.88_89insGGGGGGG on transcript NM_007129.5 (MANE Select); coding-DNA positions 88 to 89, GGGGGGG inserted.
Protein change: p.Ala30fs; shifts the reading frame from alanine 30.
Molecular consequence: frameshift variant.
Genome position: GRCh38 VCF-style: chr13-99982150-C-CGGGGGGG. GRCh37 (hg19) VCF-style: chr13-100634404-C-CGGGGGGG.
Other names: short protein forms A30fs.
Identifiers: ClinVar variation 5016513 (VCV005016513.1).

ClinVar aggregate classification (germline): Uncertain significance (1 of 4 stars; one submission).

Conditions:
Fetal anomalies with a likely genetic cause.

Submission:

Genetics Laboratory, Great Ormond Street Hospital NHS Foundation Trust, North Thames Genomic Laboratory Hub
Classification: Uncertain significance for Fetal anomalies with a likely genetic cause. Last evaluated: 2026-08-11. Review status: criteria provided, single submitter. Criteria: ACGS Best Practice Guidelines for Variant Classification in Rare Disease 2024 v1.2. Collection method: clinical testing. Allele origin: germline. Affected: yes.
Comment: PM2_moderate, PVS1_moderate